The following is an entry in ClinVar:

ClinVar aggregate classification (germline): Likely benign. Review status: criteria provided, single submitter (1 of 4 stars). 2 submissions from 2 submitters: Likely benign (1). 1 of the submissions does not count toward it. Last evaluated 2024-02-26.

Conditions:
COL4A2-related disorder. Also called: COL4A2-related disorders; COL4A2-related condition.

Allele frequency attached by ClinVar (database versions not stated): gnomAD exomes 0.00001; ExAC 0.00003; gnomAD 0.00010; TOPMed 0.00011; 1000 Genomes Project 0.00020; 1000 Genomes Project 30x 0.00031.
gnomAD v4.1: 23 of 1,613,172 alleles (0.0014%); highest among the groups gnomAD compares: African/African-American, 0.023%; no homozygotes.

Submissions (2):

Labcorp Genetics (formerly Invitae), Labcorp
Classification: Likely benign. Last evaluated: 2024-02-26. Review status: criteria provided, single submitter. Criteria: Invitae Variant Classification Sherloc (09022015). Collection method: clinical testing. Allele origin: germline.

PreventionGenetics, part of Exact Sciences
Classification: Likely benign for COL4A2-related condition. Last evaluated: 2020-11-10. Review status: no assertion criteria provided. Collection method: clinical testing. Allele origin: germline. Not counted in ClinVar's aggregate classification.
Comment: This variant is classified as likely benign based on ACMG/AMP sequence variant interpretation guidelines (Richards et al. 2015 PMID: 25741868, with internal and published modifications).

NM_001846.4(COL4A2):c.3069T>C (p.Pro1023=)

Gene: COL4A2 (collagen type IV alpha 2 chain; plus strand). Cytogenetic location: 13q34.
Variant type: single nucleotide variant.
Coding change: c.3069T>C on transcript NM_001846.4 (MANE Select); coding-DNA position 3069, T replaced by C.
Protein change: p.Pro1023=; no amino-acid change (proline 1023 retained).
Molecular consequence: synonymous variant.
Genome position (GRCh38, 1-based): chr13:110,485,698, T>C. VCF-style: chr13-110485698-T-C. GRCh37 (hg19) VCF-style: chr13-111138045-T-C.
Identifiers: ClinVar variation 3054831 (VCV003054831.4), dbSNP rs534504433, ClinGen allele CA7050079.
Genomic context (GRCh38, chr13:110,485,698, plus strand): 5'-CCAGGGTCTTCCTGCAGGTATCCAAGGAATGCCAGGCATCCCAGGGCTGTCAGGAATCCC[T>C]GGGCTGCCTGGGAGGCCCGGCCACATCAAAGGAGTCAAGGGAGACATCGGAGTCCCCGGC-3'
Protein context (NP_001837.2, residues 1013-1033): MPGIPGLSGI[Pro1023=]GLPGRPGHIK